The following is an entry in ClinVar:

NM_000179.3(MSH6):c.3314G>C (p.Gly1105Ala)

Gene: MSH6 (mutS homolog 6; plus strand). Cytogenetic location: 2p16.3.
Variant type: single nucleotide variant.
Coding change: c.3314G>C on transcript NM_000179.3 (MANE Select); coding-DNA position 3314, G replaced by C.
Protein change: p.Gly1105Ala; replaces glycine 1105 with alanine.
Molecular consequence: missense variant.
Genome position (GRCh38, 1-based): chr2:47,803,561, G>C. VCF-style: chr2-47803561-G-C. GRCh37 (hg19) VCF-style: chr2-48030700-G-C.
Other names: c.2924G>C, p.Gly975Ala (NM_001281492.2); c.2408G>C, p.Gly803Ala (NM_001281493.2, NM_001281494.2); short protein forms G803A, G1105A, G975A.
Identifiers: ClinVar variation 840398 (VCV000840398.9), dbSNP rs1060502910, ClinGen allele CA346758618.

ClinVar aggregate classification (germline): Uncertain significance. Review status: criteria provided, multiple submitters, no conflicts (2 of 4 stars). 2 submissions from 2 submitters: Uncertain significance (2). Last evaluated 2026-09-13.

Conditions:
Hereditary nonpolyposis colorectal neoplasms. Identifiers: MedGen C0009405, MeSH D003123.
Hereditary cancer-predisposing syndrome. Also called: Tumor predisposition; Hereditary neoplastic syndrome; Neoplastic Syndromes, Hereditary; Hereditary Cancer Syndrome. Identifiers: Orphanet 140162, MedGen C0027672, MeSH D009386, MONDO:0015356.

Submissions (2):

Ambry Genetics
Classification: Uncertain significance for Hereditary cancer-predisposing syndrome. Last evaluated: 2026-09-13. Review status: criteria provided, single submitter. Criteria: Ambry Variant Classification Scheme 2023. Collection method: clinical testing. Allele origin: germline.
Comment: The p.G1105A variant (also known as c.3314G>C), located in coding exon 5 of the MSH6 gene, results from a G to C substitution at nucleotide position 3314. The glycine at codon 1105 is replaced by alanine, an amino acid with similar properties. This amino acid position is conserved. In addition, this alteration is predicted to be deleterious by in silico analysis. Based on the available evidence, the clinical significance of this variant remains unclear.

Labcorp Genetics (formerly Invitae), Labcorp
Classification: Uncertain significance for Hereditary nonpolyposis colorectal neoplasms. Last evaluated: 2019-02-19. Review status: criteria provided, single submitter. Criteria: Invitae Variant Classification Sherloc (09022015). Collection method: clinical testing. Allele origin: germline.
Comment: This sequence change replaces glycine with alanine at codon 1105 of the MSH6 protein (p.Gly1105Ala). The glycine residue is highly conserved and there is a small physicochemical difference between glycine and alanine. In summary, the available evidence is currently insufficient to determine the role of this variant in disease. Therefore, it has been classified as a Variant of Uncertain Significance. Algorithms developed to predict the effect of missense changes on protein structure and function are either unavailable or do not agree on the potential impact of this missense change (SIFT: "Tolerated"; PolyPhen-2: "Probably Damaging"; Align-GVGD: "Class C0"). This variant has not been reported in the literature in individuals with MSH6-related conditions. This variant is not present in population databases (ExAC no frequency).